The following is an entry in ClinVar:

NM_138272.3(MPIG6B):c.542-9C>T

Gene: MPIG6B (megakaryocyte and platelet inhibitory receptor G6b; plus strand). Cytogenetic location: 6p21.33.
Variant type: single nucleotide variant.
Coding change: c.542-9C>T on transcript NM_138272.3 (MANE Select); 9 bases into the intron before coding-DNA position 542, C replaced by T.
Molecular consequence: intron variant. On other transcripts: synonymous variant (3), missense variant (1).
Genome position (GRCh38, 1-based): chr6:31,724,756, C>T. VCF-style: chr6-31724756-C-T. GRCh37 (hg19) VCF-style: chr6-31692533-C-T.
Other names: p.Pro184=; c.552C>T, p.Pro184= (NM_025260.4, NM_138277.3); c.461C>T, p.Pro154Leu (NM_138273.3); c.420C>T, p.Pro140= (NM_138274.3); c.410-9C>T (NM_138275.3); short protein forms P154L.
Identifiers: ClinVar variation 4684919 (VCV004684919.1).

ClinVar aggregate classification (germline): Likely benign (1 of 4 stars; one submission).

gnomAD v4.1: 25 of 1,613,954 alleles (0.0015%); highest among the groups gnomAD compares: Admixed American, 0.005%; no homozygotes.

Submission:

Mayo Clinic Laboratories, Mayo Clinic
Classification: Likely benign. Last evaluated: 2025-03-11. Review status: criteria provided, single submitter. Criteria: ACMG Guidelines, 2015. Collection method: clinical testing. Allele origin: germline. Observed: 1 variant allele.
Comment: BP4, BP7, PM2_supporting